The following is an entry in ClinVar:

NM_003072.5(SMARCA4):c.2617-254C>T

Gene: SMARCA4 (SWI/SNF related BAF chromatin remodeling complex subunit ATPase 4; plus strand). Cytogenetic location: 19p13.2.
Variant type: single nucleotide variant.
Coding change: c.2617-254C>T on transcript NM_003072.5 (MANE Select); 254 bases into the intron before coding-DNA position 2617, C replaced by T.
Molecular consequence: intron variant. On other transcripts: non-coding transcript variant (1).
Genome position (GRCh38, 1-based): chr19:11,021,471, C>T. VCF-style: chr19-11021471-C-T. GRCh37 (hg19) VCF-style: chr19-11132147-C-T.
Other names: c.2617-254C>T (NM_001128844.3, NM_001128849.3, NM_001128847.4 and 6 more transcripts).
Identifiers: ClinVar variation 4883590 (VCV004883590.2).
Genomic context (GRCh38, chr19:11,021,471, plus strand): 5'-ATTTTTCTGTGCTGTAGATTCATATGTGTGATTTTGCAGGGAAGCCAGATTGCTTTTTTG[C>T]AATTTGCATTGTTCACCTGCCAATAGTCATGGGGTCACGGGCCTGTCTCTGCCCAAGGCT-3'

ClinVar aggregate classification (germline): Uncertain significance (1 of 4 stars; one submission).

gnomAD v4.1: 1 of 604,268 alleles (0.00017%); highest among the groups gnomAD compares: Non-Finnish European, 0.00031%; no homozygotes.

Submission:

Dasa
Classification: Uncertain significance. Last evaluated: 2025-11-10. Review status: criteria provided, single submitter. Criteria: DASA Assertion Criteria. Collection method: clinical testing. Allele origin: germline.
Comment: NM_003072.5(SMARCA4):c.2617-254C>T is an intronic variant. This variant is rare in population databases. Computational prediction algorithms are consistent with a deleterious effect. The currently available literature and clinical evidence are not sufficient to establish a definitive association between this variant and the reported condition. Therefore, this variant is classified as a variant of uncertain significance.